The following is an entry in ClinVar:

NM_004333.6(BRAF):c.2231G>A (p.Ser744Asn)

Gene: BRAF (B-Raf proto-oncogene, serine/threonine kinase; minus strand). Cytogenetic location: 7q34.
Variant type: single nucleotide variant.
Coding change: c.2231G>A on transcript NM_004333.6 (MANE Select); coding-DNA position 2231, G replaced by A.
Protein change: p.Ser744Asn; replaces serine 744 with asparagine.
Molecular consequence: missense variant. On other transcripts: intron variant (2).
Genome position (GRCh38, 1-based): chr7:140,734,667, C>T on the plus strand (G>A on the coding strand, the complement: BRAF is on the minus strand). VCF-style: chr7-140734667-C-T. GRCh37 (hg19) VCF-style: chr7-140434467-C-T.
Other names: c.2231G>A, p.Ser744Asn (NM_001354609.2); c.2351G>A, p.Ser784Asn (NM_001374244.1, NM_001374258.1); c.2240G>A, p.Ser747Asn (NM_001378467.1); c.2165G>A, p.Ser722Asn (NM_001378469.1); c.2129G>A, p.Ser710Asn (NM_001378470.1); c.2120G>A, p.Ser707Asn (NM_001378471.1); c.2075G>A, p.Ser692Asn (NM_001378472.1, NM_001378473.1); c.1967G>A, p.Ser656Asn (NM_001378475.1); and 1 more; short protein forms S707N, S692N, S722N, S656N, S710N, S744N, S747N, S784N.
Identifiers: ClinVar variation 2194690 (VCV002194690.4), dbSNP rs767671899, ClinGen allele CA4516520.

ClinVar aggregate classification (germline): Uncertain significance (1 of 4 stars; one submission).

Conditions:
RASopathy. Also called: rasopathies; Noonan spectrum disorder. Identifiers: Orphanet 536391, MedGen C5555857, MONDO:0021060.

Allele frequency attached by ClinVar (database versions not stated): gnomAD exomes below 0.00001.
gnomAD v4.1: 5 of 1,612,564 alleles (0.00031%); highest among the groups gnomAD compares: Admixed American, 0.0017%; no homozygotes.

Submission:

Labcorp Genetics (formerly Invitae), Labcorp
Classification: Uncertain significance for RASopathy. Last evaluated: 2024-12-23. Review status: criteria provided, single submitter. Criteria: Invitae Variant Classification Sherloc (09022015). Collection method: clinical testing. Allele origin: germline.
Comment: This sequence change replaces serine, which is neutral and polar, with asparagine, which is neutral and polar, at codon 744 of the BRAF protein (p.Ser744Asn). This variant is present in population databases (rs767671899, gnomAD 0.006%). This variant has not been reported in the literature in individuals affected with BRAF-related conditions. ClinVar contains an entry for this variant (Variation ID: 2194690). Invitae Evidence Modeling of protein sequence and biophysical properties (such as structural, functional, and spatial information, amino acid conservation, physicochemical variation, residue mobility, and thermodynamic stability) indicates that this missense variant is not expected to disrupt BRAF protein function with a negative predictive value of 95%. In summary, the available evidence is currently insufficient to determine the role of this variant in disease. Therefore, it has been classified as a Variant of Uncertain Significance.